The following is an entry in ClinVar:

NM_017777.4(MKS1):c.1464C>G (p.Phe488Leu)

Gene: MKS1 (MKS transition zone complex subunit 1; minus strand). Cytogenetic location: 17q22.
Variant type: single nucleotide variant.
Coding change: c.1464C>G on transcript NM_017777.4 (MANE Select); coding-DNA position 1464, C replaced by G.
Protein change: p.Phe488Leu; replaces phenylalanine 488 with leucine.
Molecular consequence: missense variant. On other transcripts: intron variant (2).
Genome position (GRCh38, 1-based): chr17:58,206,491, G>C on the plus strand (C>G on the coding strand, the complement: MKS1 is on the minus strand). VCF-style: chr17-58206491-G-C. GRCh37 (hg19) VCF-style: chr17-56283852-G-C.
Other names: c.855C>G, p.Phe285Leu (NM_001321268.2); c.1274-111C>G (NM_001330397.2); c.1408-111C>G (NM_001321269.2); short protein forms F285L, F488L.
Identifiers: ClinVar variation 2637277 (VCV002637277.4), dbSNP rs758937277, ClinGen allele CA8669118.

ClinVar aggregate classification (germline): Uncertain significance. Review status: criteria provided, multiple submitters, no conflicts (2 of 4 stars). 2 submissions from 2 submitters: Uncertain significance (2). Last evaluated 2025-01-13.

Conditions:
MKS1-related disorder. Also called: MKS1-related condition; MKS1-related disorders. Identifiers: MedGen CN239382.

Allele frequency attached by ClinVar (database versions not stated): gnomAD exomes below 0.00001; TOPMed below 0.00001; ExAC 0.00001.
gnomAD v4.1: 2 of 1,614,144 alleles (0.00012%); highest among the groups gnomAD compares: South Asian, 0.0011%; no homozygotes.

Submissions (2):

PreventionGenetics, part of Exact Sciences
Classification: Uncertain significance for MKS1-related condition. Last evaluated: 2025-01-13. Review status: criteria provided, single submitter. Criteria: ACMG Guidelines, 2015. Collection method: clinical testing. Allele origin: germline.
Comment: The MKS1 c.1464C>G variant is predicted to result in the amino acid substitution p.Phe488Leu. To our knowledge, this variant has not been reported in the literature. This variant is reported in 0.0033% of alleles in individuals of South Asian descent in gnomAD. At this time, the clinical significance of this variant is uncertain due to the absence of conclusive functional and genetic evidence.

GeneDx
Classification: Uncertain significance. Last evaluated: 2024-03-04. Review status: criteria provided, single submitter. Criteria: GeneDx Variant Classification Process June 2021. Collection method: clinical testing. Allele origin: germline. Affected: yes.
Comment: Not observed at significant frequency in large population cohorts (gnomAD); In silico analysis supports that this missense variant does not alter protein structure/function; Has not been previously published as pathogenic or benign to our knowledge